The following is an entry in ClinVar:

NM_001126108.2(SLC12A3):c.741+1G>A

Gene: SLC12A3 (solute carrier family 12 member 3; plus strand). Cytogenetic location: 16q13.
Variant type: single nucleotide variant.
Coding change: c.741+1G>A on transcript NM_001126108.2 (MANE Select); the canonical splice donor site of the intron after coding-DNA position 741, G replaced by A.
Molecular consequence: splice donor variant.
Genome position (GRCh38, 1-based): chr16:56,870,236, G>A. VCF-style: chr16-56870236-G-A. GRCh37 (hg19) VCF-style: chr16-56904148-G-A.
Other names: c.741+1G>A (NM_000339.3); c.738+1G>A (NM_001126107.2, NM_001410896.1).
Identifiers: ClinVar variation 958758 (VCV000958758.14), dbSNP rs1187506921, ClinGen allele CA395982098.

ClinVar aggregate classification (germline): Pathogenic/Likely pathogenic. Review status: criteria provided, multiple submitters, no conflicts (2 of 4 stars). 4 submissions from 4 submitters: Pathogenic (3); Likely pathogenic (1). Last evaluated 2025-02-27.

Conditions:
Familial hypokalemia-hypomagnesemia (GTLMNS). Also called: gitelman syndrome; POTASSIUM AND MAGNESIUM DEPLETION; HYPOMAGNESEMIA-HYPOKALEMIA, PRIMARY RENOTUBULAR, WITH HYPOCALCIURIA. Identifiers: Orphanet 358, MedGen C0268450, MONDO:0009904, OMIM 263800.

Allele frequency attached by ClinVar (database versions not stated): gnomAD exomes 0.00001.
gnomAD v4.1: 3 of 1,612,698 alleles (0.00019%); highest among the groups gnomAD compares: Non-Finnish European, 0.00025%; no homozygotes.

Submissions (4):

Natera, Inc.
Classification: Pathogenic for Gitelman syndrome. Last evaluated: 2025-02-27. Review status: criteria provided, single submitter. Criteria: Natera Variant Classification Schema (03/2026). Collection method: clinical testing. Allele origin: germline.
Comment: The c.741+1G>A variant in SLC12A3 is a canonical splice donor site variant predicted to affect pre-mRNA splicing, which may result in an abnormal transcript and altered protein product. This variant is expected to result in nonsense mediated decay, truncation, or a dysfunctional protein product. This variant is rare in the general population with a frequency below the threshold expected for the associated phenotype(s). This variant has been observed in one or more individuals affected with the associated recessive disease, as either homozygous or compound heterozygous with a second variant (PMID: 29572370, 22009145). Given the available evidence, this variant is classified as Pathogenic.

Labcorp Genetics (formerly Invitae), Labcorp
Classification: Pathogenic. Last evaluated: 2023-11-24. Review status: criteria provided, single submitter. Criteria: Invitae Variant Classification Sherloc (09022015). Collection method: clinical testing. Allele origin: germline.
Comment: This sequence change affects a donor splice site in intron 5 of the SLC12A3 gene. It is expected to disrupt RNA splicing. Variants that disrupt the donor or acceptor splice site typically lead to a loss of protein function (PMID: 16199547), and loss-of-function variants in SLC12A3 are known to be pathogenic (PMID: 20848653, 22009145, 25841442). This variant is present in population databases (no rsID available, gnomAD 0.002%). Disruption of this splice site has been observed in individuals with Gitelman syndrome (PMID: 12772080, 18391953). ClinVar contains an entry for this variant (Variation ID: 958758). Algorithms developed to predict the effect of sequence changes on RNA splicing suggest that this variant may disrupt the consensus splice site. For these reasons, this variant has been classified as Pathogenic.

MGZ Medical Genetics Center
Classification: Likely pathogenic for Familial hypokalemia-hypomagnesemia. Last evaluated: 2022-05-31. Review status: criteria provided, single submitter. Criteria: ACMG Guidelines, 2015. Collection method: clinical testing. Allele origin: germline. Affected: yes. Observed: 3 variant alleles.
Comment: ACMG criteria applied: PVS1, PM2_SUP

Fulgent Genetics
Classification: Pathogenic for Familial hypokalemia-hypomagnesemia. Last evaluated: 2021-07-29. Review status: criteria provided, single submitter. Criteria: ACMG Guidelines, 2015. Collection method: clinical testing. Allele origin: unknown.

Literature cited by the submitters: PubMed 29572370 (cited by Natera, Inc.); PubMed 22009145 (cited by Natera, Inc. and Labcorp Genetics (formerly Invitae), Labcorp); PubMed 16199547 (cited by Labcorp Genetics (formerly Invitae), Labcorp); PubMed 20848653 (cited by Labcorp Genetics (formerly Invitae), Labcorp); PubMed 25841442 (cited by Labcorp Genetics (formerly Invitae), Labcorp); PubMed 12772080 (cited by Labcorp Genetics (formerly Invitae), Labcorp); PubMed 18391953 (cited by Labcorp Genetics (formerly Invitae), Labcorp).